The following is an entry in ClinVar:

ClinVar aggregate classification (germline): Likely benign. Review status: criteria provided, multiple submitters, no conflicts (2 of 4 stars). 4 submissions from 4 submitters: Likely benign (3). 1 of the submissions does not count toward it. Last evaluated 2025-09-03.

Conditions:
Autosomal recessive limb-girdle muscular dystrophy type 2J (LGMDR10). Also called: Limb-girdle muscular dystrophy, type 2J; MUSCULAR DYSTROPHY, LIMB-GIRDLE, AUTOSOMAL RECESSIVE 10. Identifiers: Orphanet 140922, MedGen C1837342, MONDO:0012127, OMIM 608807.
Dilated cardiomyopathy 1G (CMD1G). Identifiers: Orphanet 154, MedGen C1858763, MONDO:0011400, OMIM 604145.
TTN-related disorder. Also called: TTN-related disorders; TTN-related condition; TTN-related disease.
Cardiovascular phenotype. Identifiers: MedGen CN230736.

Allele frequency attached by ClinVar (database versions not stated): gnomAD exomes 0.00001 and 0.00002; ExAC 0.00002; TOPMed 0.00003; gnomAD 0.00005; ESP Exome Variant Server 0.00008.
gnomAD v4.1: 30 of 1,613,636 alleles (0.0019%); highest among the groups gnomAD compares: East Asian, 0.0022%; no homozygotes.

Submissions (4):

Labcorp Genetics (formerly Invitae), Labcorp
Classification: Likely benign for Dilated cardiomyopathy 1G; Autosomal recessive limb-girdle muscular dystrophy type 2J. Last evaluated: 2025-09-03. Review status: criteria provided, single submitter. Criteria: Invitae Variant Classification Sherloc (09022015). Collection method: clinical testing. Allele origin: germline.

Ambry Genetics
Classification: Likely benign for Cardiovascular phenotype. Last evaluated: 2019-07-11. Review status: criteria provided, single submitter. Criteria: Ambry Variant Classification Scheme 2023. Collection method: clinical testing. Allele origin: germline.

GeneDx
Classification: Likely benign. Last evaluated: 2018-10-15. Review status: criteria provided, single submitter. Criteria: GeneDx Variant Classification Process June 2021. Collection method: clinical testing. Allele origin: germline. Affected: yes.

PreventionGenetics, part of Exact Sciences
Classification: Likely benign for TTN-related condition. Last evaluated: 2021-12-01. Review status: no assertion criteria provided. Collection method: clinical testing. Allele origin: germline. Not counted in ClinVar's aggregate classification.
Comment: This variant is classified as likely benign based on ACMG/AMP sequence variant interpretation guidelines (Richards et al. 2015 PMID: 25741868, with internal and published modifications).

NM_001267550.2(TTN):c.94710C>T (p.Thr31570=)

Genes: TTN-AS1 (TTN antisense RNA 1; plus strand), TTN (titin; minus strand). Cytogenetic location: 2q31.2.
Variant type: single nucleotide variant.
Coding change: c.94710C>T on transcript NM_001267550.2 (MANE Select); coding-DNA position 94710, C replaced by T.
Protein change: p.Thr31570=; no amino-acid change (threonine 31570 retained).
Molecular consequence: synonymous variant.
Genome position (GRCh38, 1-based): chr2:178,546,718, G>A on the plus strand (C>T on the coding strand, the complement: TTN is on the minus strand). VCF-style: chr2-178546718-G-A. GRCh37 (hg19) VCF-style: chr2-179411445-G-A.
Other names: c.89787C>T, p.Thr29929= (NM_001256850.1); c.67515C>T, p.Thr22505= (NM_003319.4); c.87006C>T, p.Thr29002= (NM_133378.4); c.67890C>T, p.Thr22630= (NM_133432.3); c.68091C>T, p.Thr22697= (NM_133437.4).
Identifiers: ClinVar variation 535395 (VCV000535395.15), dbSNP rs375185958, ClinGen allele CA1987080.